The following is an entry in ClinVar:

NM_004714.3(DYRK1B):c.588C>T (p.Asn196=)

Gene: DYRK1B (dual specificity tyrosine phosphorylation regulated kinase 1B; minus strand). Cytogenetic location: 19q13.2.
Variant type: single nucleotide variant.
Coding change: c.588C>T on transcript NM_004714.3 (MANE Select); coding-DNA position 588, C replaced by T.
Protein change: p.Asn196=; no amino-acid change (asparagine 196 retained).
Molecular consequence: synonymous variant.
Genome position (GRCh38, 1-based): chr19:39,828,516, G>A on the plus strand (C>T on the coding strand, the complement: DYRK1B is on the minus strand). VCF-style: chr19-39828516-G-A. GRCh37 (hg19) VCF-style: chr19-40319156-G-A.
Other names: c.588C>T, p.Asn196= (NM_006483.3, NM_006484.3).
Identifiers: ClinVar variation 3353411 (VCV003353411.1).
Genomic context (GRCh38, chr19:39,828,516, plus strand): 5'-CTTCCGGGTCAGGTTCAGCGAGACGCCGCGGAAGTGGGTGTTGCGCAGGAGGTCGTACAG[G>A]TTGTAGGACAGCAGCTCAAATACCAGGCACAGGTGGTTCCGGAACATGAAGTGCCGCTTC-3'
Protein context (NP_004705.1, residues 186-206): LCLVFELLSY[Asn196=]LYDLLRNTHF

ClinVar aggregate classification (germline): Likely benign (0 of 4 stars; one submission).

Conditions:
DYRK1B-related disorder. Also called: DYRK1B-related condition.

gnomAD v4.1: 2 of 1,613,640 alleles (0.00012%); highest among the groups gnomAD compares: African/African-American, 0.0027%; no homozygotes.

Submission:

PreventionGenetics, part of Exact Sciences
Classification: Likely benign for DYRK1B-related condition. Last evaluated: 2022-07-13. Review status: no assertion criteria provided. Collection method: clinical testing. Allele origin: germline.
Comment: This variant is classified as likely benign based on ACMG/AMP sequence variant interpretation guidelines (Richards et al. 2015 PMID: 25741868, with internal and published modifications).